The following is an entry in ClinVar:

ClinVar aggregate classification (germline): Likely pathogenic (1 of 4 stars; one submission).

Allele frequency attached by ClinVar (database versions not stated): TOPMed below 0.00001; gnomAD exomes 0.00001; ExAC 0.00002.
gnomAD v4.1: 14 of 1,591,502 alleles (0.00088%); highest among the groups gnomAD compares: South Asian, 0.016%; no homozygotes.

Submission:

Labcorp Genetics (formerly Invitae), Labcorp
Classification: Likely pathogenic. Last evaluated: 2022-06-18. Review status: criteria provided, single submitter. Criteria: Invitae Variant Classification Sherloc (09022015). Collection method: clinical testing. Allele origin: germline.
Comment: In summary, the currently available evidence indicates that the variant is pathogenic, but additional data are needed to prove that conclusively. Therefore, this variant has been classified as Likely Pathogenic. Algorithms developed to predict the effect of sequence changes on RNA splicing suggest that this variant may disrupt the consensus splice site. This variant has not been reported in the literature in individuals affected with ADGRV1-related conditions. This variant is present in population databases (rs779117887, gnomAD 0.01%). This sequence change affects an acceptor splice site in intron 52 of the ADGRV1 gene. It is expected to disrupt RNA splicing. Variants that disrupt the donor or acceptor splice site typically lead to a loss of protein function (PMID: 16199547), and loss-of-function variants in ADGRV1 are known to be pathogenic (PMID: 19357117, 22135276, 22147658, 26226137, 26667666, 30029497, 32467589).

Literature cited by the submitters: PubMed 16199547; PubMed 19357117; PubMed 22135276; PubMed 22147658; PubMed 26226137; PubMed 26667666; PubMed 30029497; PubMed 32467589.

NM_032119.4(ADGRV1):c.10975-2A>C

Gene: ADGRV1 (adhesion G protein-coupled receptor V1; plus strand). Cytogenetic location: 5q14.3.
Variant type: single nucleotide variant.
Coding change: c.10975-2A>C on transcript NM_032119.4 (MANE Select); the canonical splice acceptor site of the intron before coding-DNA position 10975, A replaced by C.
Molecular consequence: splice acceptor variant.
Genome position (GRCh38, 1-based): chr5:90,750,549, A>C. VCF-style: chr5-90750549-A-C. GRCh37 (hg19) VCF-style: chr5-90046366-A-C.
Identifiers: ClinVar variation 2094268 (VCV002094268.4), dbSNP rs779117887, ClinGen allele CA3340876.